The following is an entry in ClinVar:

NM_005051.3(QARS1):c.1561G>A (p.Ala521Thr)

Gene: QARS1 (glutaminyl-tRNA synthetase 1; minus strand). Cytogenetic location: 3p21.31.
Variant type: single nucleotide variant.
Coding change: c.1561G>A on transcript NM_005051.3 (MANE Select); coding-DNA position 1561, G replaced by A.
Protein change: p.Ala521Thr; replaces alanine 521 with threonine.
Molecular consequence: missense variant. On other transcripts: non-coding transcript variant (1).
Genome position (GRCh38, 1-based): chr3:49,099,397, C>T on the plus strand (G>A on the coding strand, the complement: QARS1 is on the minus strand). VCF-style: chr3-49099397-C-T. GRCh37 (hg19) VCF-style: chr3-49136830-C-T.
Other names: c.1528G>A, p.Ala510Thr (NM_001272073.2); short protein forms A510T, A521T.
Identifiers: ClinVar variation 842831 (VCV000842831.7), dbSNP rs756375405, ClinGen allele CA2391707.

ClinVar aggregate classification (germline): Uncertain significance. Review status: criteria provided, multiple submitters, no conflicts (2 of 4 stars). 3 submissions from 3 submitters: Uncertain significance (3). Last evaluated 2025-08-08.

Conditions:
Diffuse cerebral and cerebellar atrophy - intractable seizures - progressive microcephaly syndrome. Also called: Microcephaly, progressive, with seizures and cerebral and cerebellar atrophy. Identifiers: Orphanet 404437, MedGen C4014239, MONDO:0014335, OMIM 615760.

Allele frequency attached by ClinVar (database versions not stated): ExAC 0.00001.

Submissions (3):

GeneDx
Classification: Uncertain significance. Last evaluated: 2025-08-08. Review status: criteria provided, single submitter. Criteria: GeneDx Variant Classification Process June 2021. Collection method: clinical testing. Allele origin: germline. Affected: yes.
Comment: Not observed at significant frequency in large population cohorts (gnomAD); In silico analysis supports that this missense variant has a deleterious effect on protein structure/function; Has not been previously published as pathogenic or benign to our knowledge; This variant is associated with the following publications: (PMID: 25471517)

Labcorp Genetics (formerly Invitae), Labcorp
Classification: Uncertain significance for Diffuse cerebral and cerebellar atrophy - intractable seizures - progressive microcephaly syndrome. Last evaluated: 2022-07-19. Review status: criteria provided, single submitter. Criteria: Invitae Variant Classification Sherloc (09022015). Collection method: clinical testing. Allele origin: germline.
Comment: This variant has not been reported in the literature in individuals affected with QARS-related conditions. This variant is present in population databases (rs756375405, gnomAD 0.006%). This sequence change replaces alanine, which is neutral and non-polar, with threonine, which is neutral and polar, at codon 521 of the QARS protein (p.Ala521Thr). ClinVar contains an entry for this variant (Variation ID: 842831). In summary, the available evidence is currently insufficient to determine the role of this variant in disease. Therefore, it has been classified as a Variant of Uncertain Significance. Algorithms developed to predict the effect of missense changes on protein structure and function (SIFT, PolyPhen-2, Align-GVGD) all suggest that this variant is likely to be disruptive.

Fulgent Genetics
Classification: Uncertain significance for Diffuse cerebral and cerebellar atrophy - intractable seizures - progressive microcephaly syndrome. Last evaluated: 2021-07-06. Review status: criteria provided, single submitter. Criteria: ACMG Guidelines, 2015. Collection method: clinical testing. Allele origin: unknown.